The following is an entry in ClinVar:

ClinVar aggregate classification (germline): Conflicting classifications of pathogenicity. Review status: criteria provided, conflicting classifications (1 of 4 stars). 3 submissions from 3 submitters: Uncertain significance (2); Likely benign (1). Last evaluated 2025-05-30.

Conditions:
Neuroblastoma, susceptibility to, 3. Also called: ALK-Related Neuroblastic Tumor Susceptibility. Identifiers: Orphanet 635, MedGen C2751681, MONDO:0013083, OMIM 613014.
Hereditary cancer-predisposing syndrome. Also called: Hereditary neoplastic syndrome; Tumor predisposition; Neoplastic Syndromes, Hereditary; Hereditary Cancer Syndrome. Identifiers: Orphanet 140162, MedGen C0027672, MeSH D009386, MONDO:0015356.

Allele frequency attached by ClinVar (database versions not stated): gnomAD exomes below 0.00001 and 0.00001.
gnomAD v4.1: 7 of 1,614,118 alleles (0.00043%); highest among the groups gnomAD compares: South Asian, 0.0011%; no homozygotes.

Submissions (3):

Labcorp Genetics (formerly Invitae), Labcorp
Classification: Uncertain significance for Neuroblastoma, susceptibility to, 3. Last evaluated: 2025-05-30. Review status: criteria provided, single submitter. Criteria: Invitae Variant Classification Sherloc (09022015). Collection method: clinical testing. Allele origin: germline.
Comment: This sequence change creates a premature translational stop signal (p.Arg551*) in the ALK gene. It is expected to result in an absent or disrupted protein product. However, the current clinical and genetic evidence is not sufficient to establish whether loss-of-function variants in ALK cause disease. This variant is present in population databases (no rsID available, gnomAD 0.006%). This variant has not been reported in the literature in individuals affected with ALK-related conditions. ClinVar contains an entry for this variant (Variation ID: 859296). In summary, the available evidence is currently insufficient to determine the role of this variant in disease. Therefore, it has been classified as a Variant of Uncertain Significance.

Ambry Genetics
Classification: Likely benign for Hereditary cancer-predisposing syndrome. Last evaluated: 2025-03-18. Review status: criteria provided, single submitter. Criteria: Ambry Variant Classification Scheme 2023. Collection method: clinical testing. Allele origin: germline.

GeneDx
Classification: Uncertain significance. Last evaluated: 2024-08-06. Review status: criteria provided, single submitter. Criteria: GeneDx Variant Classification Process June 2021. Collection method: clinical testing. Allele origin: germline. Affected: yes.
Comment: Not observed at significant frequency in large population cohorts (gnomAD); Has not been previously published as pathogenic or benign to our knowledge; Nonsense variant predicted to result in protein truncation or nonsense mediated decay in a gene for which loss-of-function is not an established mechanism of disease

NM_004304.5(ALK):c.1651C>T (p.Arg551Ter)

Gene: ALK (ALK receptor tyrosine kinase; minus strand). Cytogenetic location: 2p23.2.
Variant type: single nucleotide variant.
Coding change: c.1651C>T on transcript NM_004304.5 (MANE Select); coding-DNA position 1651, C replaced by T.
Protein change: p.Arg551Ter; replaces arginine 551 with a stop codon.
Molecular consequence: nonsense.
Genome position (GRCh38, 1-based): chr2:29,297,054, G>A on the plus strand (C>T on the coding strand, the complement: ALK is on the minus strand). VCF-style: chr2-29297054-G-A. GRCh37 (hg19) VCF-style: chr2-29519920-G-A.
Other names: short protein forms R551*.
Identifiers: ClinVar variation 859296 (VCV000859296.9), dbSNP rs1172956542, ClinGen allele CA346466707.